The following is an entry in ClinVar:

ClinVar aggregate classification (germline): Pathogenic (0 of 4 stars; one submission).

Conditions:
MYT1L-related disorder. Also called: MYT1L-related condition.

Submission:

PreventionGenetics, part of Exact Sciences
Classification: Pathogenic for MYT1L-related condition. Last evaluated: 2024-01-11. Review status: no assertion criteria provided. Collection method: clinical testing. Allele origin: germline.
Comment: The MYT1L c.503delA variant is predicted to result in a frameshift and premature protein termination (p.Asn168Thrfs*6). To our knowledge, this variant has not been reported in the literature or in a large population database, indicating this variant is rare. Frameshift variants in MYT1L are expected to be pathogenic. This variant is interpreted as pathogenic.

NM_001303052.2(MYT1L):c.503del (p.Asn168fs)

Gene: MYT1L (myelin transcription factor 1 like; minus strand). Cytogenetic location: 2p25.3.
Variant type: Deletion.
Coding change: c.503del on transcript NM_001303052.2 (MANE Select); coding-DNA position 503, one base deleted (A; older notation c.503delA).
Protein change: p.Asn168fs; shifts the reading frame from asparagine 168.
Molecular consequence: frameshift variant.
Genome position (GRCh38, 1-based): chr2:1,942,984, T deleted on the plus strand (A on the coding strand, the reverse complement: MYT1L is on the minus strand); the first of 4 consecutive T bases (chr2:1,942,984-1,942,987); deleting any one gives the same sequence. VCF-style (leftmost placement, unchanged base first): chr2-1942983-GT-G. GRCh37 (hg19) VCF-style: chr2-1946755-GT-G.
Other names: c.503del, p.Asn168fs (NM_001329844.2, NM_001329845.1, NM_001329846.3 and 6 more transcripts); short protein forms N168fs.
Identifiers: ClinVar variation 3056156 (VCV003056156.2), dbSNP rs2551024138, ClinGen allele CA2740092677.